The following is an entry in ClinVar:

ClinVar aggregate classification (germline): Conflicting classifications of pathogenicity. Review status: criteria provided, conflicting classifications (1 of 4 stars). 2 submissions from 2 submitters: Uncertain significance (1); Likely benign (1). Last evaluated 2025-12-02.

Allele frequency attached by ClinVar (database versions not stated): ESP Exome Variant Server 0.00016; gnomAD exomes 0.00016; gnomAD 0.00017; TOPMed 0.00023; ExAC 0.00031.
gnomAD v4.1: 278 of 1,612,472 alleles (0.017%); highest among the groups gnomAD compares: Middle Eastern, 0.099%; no homozygotes.

Submissions (2):

Ambry Genetics
Classification: Uncertain significance. Last evaluated: 2025-12-02. Review status: criteria provided, single submitter. Criteria: Ambry Variant Classification Scheme 2023. Collection method: clinical testing. Allele origin: germline.

CeGaT Center for Human Genetics Tuebingen
Classification: Likely benign. Last evaluated: 2025-09-01. Review status: criteria provided, single submitter. Criteria: CeGaT Center For Human Genetics Tuebingen Variant Classification Criteria Version 2. Collection method: clinical testing. Allele origin: germline. Affected: yes. Observed: 2 variant alleles.
Comment: MUC5B: BP4, BS2

NM_002458.3(MUC5B):c.15137A>G (p.Asn5046Ser)

Gene: MUC5B (mucin 5B, oligomeric mucus/gel-forming; plus strand). Cytogenetic location: 11p15.5.
Variant type: single nucleotide variant.
Coding change: c.15137A>G on transcript NM_002458.3 (MANE Select); coding-DNA position 15137, A replaced by G.
Protein change: p.Asn5046Ser; replaces asparagine 5046 with serine.
Molecular consequence: missense variant.
Genome position (GRCh38, 1-based): chr11:1,252,900, A>G. VCF-style: chr11-1252900-A-G. GRCh37 (hg19) VCF-style: chr11-1274130-A-G.
Other names: short protein forms N5046S.
Identifiers: ClinVar variation 3149359 (VCV003149359.15), dbSNP rs369321121, ClinGen allele CA5808957.